The following is an entry in ClinVar:

ClinVar aggregate classification (germline): Uncertain significance (1 of 4 stars; one submission).

Conditions:
Long QT syndrome (LQTS). Identifiers: MedGen C0023976, MeSH D008133, MONDO:0002442. Disease mechanism: loss of function. Inheritance: Various modes of inheritance.

Submission:

Labcorp Genetics (formerly Invitae), Labcorp
Classification: Uncertain significance for Long QT syndrome. Last evaluated: 2025-01-13. Review status: criteria provided, single submitter. Criteria: Invitae Variant Classification Sherloc (09022015). Collection method: clinical testing. Allele origin: germline.
Comment: This sequence change replaces proline, which is neutral and non-polar, with serine, which is neutral and polar, at codon 2484 of the ANK2 protein (p.Pro2484Ser). This variant is not present in population databases (gnomAD no frequency). This variant has not been reported in the literature in individuals affected with ANK2-related conditions. An algorithm developed to predict the effect of missense changes on protein structure and function outputs the following: PolyPhen-2: "Benign". The serine amino acid residue is found in multiple mammalian species, which suggests that this missense change does not adversely affect protein function. In summary, the available evidence is currently insufficient to determine the role of this variant in disease. Therefore, it has been classified as a Variant of Uncertain Significance.

NM_001148.6(ANK2):c.7450C>T (p.Pro2484Ser)

Genes: ANK2 (ankyrin 2; plus strand), LOC126807137 (CDK7 strongly-dependent group 2 enhancer GRCh37_chr4:114276560-114277759; plus strand). Cytogenetic location: 4q26.
Variant type: single nucleotide variant.
Coding change: c.7450C>T on transcript NM_001148.6 (MANE Select); coding-DNA position 7450, C replaced by T.
Protein change: p.Pro2484Ser; replaces proline 2484 with serine.
Molecular consequence: missense variant. On other transcripts: intron variant (68).
Genome position (GRCh38, 1-based): chr4:113,356,068, C>T. VCF-style: chr4-113356068-C-T. GRCh37 (hg19) VCF-style: chr4-114277224-C-T.
Other names: c.7216C>T, p.Pro2406Ser (NM_001386142.1); c.3850C>T, p.Pro1284Ser (NM_001386166.1); c.7591C>T, p.Pro2531Ser (NM_001386174.1); c.7567C>T, p.Pro2523Ser (NM_001386175.1); c.4412-4755C>T (NM_001386186.2, NM_001386148.2); c.4214-4755C>T (NM_001354269.3); c.4292-4755C>T (NM_001386187.2); c.4253-4755C>T (NM_001386147.1); and 35 more; short protein forms P1284S, P2484S, P2523S, P2531S, P2406S.
Identifiers: ClinVar variation 3711608 (VCV003711608.2).
Genomic context (GRCh38, chr4:113,356,068, plus strand): 5'-CCTTGCCGTGACTCTCTGGAAAGCAGCCCTGTTGAACCAAAGATGAAGGCTGGAATTTTT[C>T]CAAGTCACTTTCCTCTTCCTGCAGCTGTTGCCAAAACAGAACTCTTGACGGAAGTGGCCT-3'
Protein context (NP_001139.3, residues 2474-2494): VEPKMKAGIF[Pro2484Ser]SHFPLPAAVA